The following is an entry in ClinVar:

NM_001276270.2(MBD4):c.1251C>A (p.Asn417Lys)

Gene: MBD4 (methyl-CpG binding domain 4, DNA glycosylase; minus strand). Cytogenetic location: 3q21.3.
Variant type: single nucleotide variant.
Coding change: c.1251C>A on transcript NM_001276270.2 (MANE Select); coding-DNA position 1251, C replaced by A.
Protein change: p.Asn417Lys; replaces asparagine 417 with lysine.
Molecular consequence: missense variant.
Genome position (GRCh38, 1-based): chr3:129,434,069, G>T on the plus strand (C>A on the coding strand, the complement: MBD4 is on the minus strand). VCF-style: chr3-129434069-G-T. GRCh37 (hg19) VCF-style: chr3-129152912-G-T.
Other names: c.1269C>A, p.Asn423Lys (NM_001276271.2, NM_001276272.2, NM_003925.3); c.315C>A, p.Asn105Lys (NM_001276273.2); short protein forms N417K, N105K, N423K.
Identifiers: ClinVar variation 4713168 (VCV004713168.1).
Genomic context (GRCh38, chr3:129,434,069, plus strand): 5'-TTGAAAACCCAAAATGGAATTAGAATTTGCTGTTCTGATTGGGAAAGGGATACCTTCTTT[G>T]TTATATTTGCTGGAAAAATACAGGCTTGTTTTCCTTCTTTCTATCTGTGTTCGTGGGATG-3'
Protein context (NP_001263199.1, residues 407-427): KTSLYFSSKY[Asn417Lys]KEALSPPRRK

ClinVar aggregate classification (germline): Uncertain significance (1 of 4 stars; one submission).

Submission:

Labcorp Genetics (formerly Invitae), Labcorp
Classification: Uncertain significance. Last evaluated: 2025-04-29. Review status: criteria provided, single submitter. Criteria: Invitae Variant Classification Sherloc (09022015). Collection method: clinical testing. Allele origin: germline.
Comment: This sequence change replaces asparagine, which is neutral and polar, with lysine, which is basic and polar, at codon 423 of the MBD4 protein (p.Asn423Lys). This variant is not present in population databases (gnomAD no frequency). This variant has not been reported in the literature in individuals affected with MBD4-related conditions. An algorithm developed to predict the effect of missense changes on protein structure and function (PolyPhen-2) suggests that this variant is likely to be tolerated. In summary, the available evidence is currently insufficient to determine the role of this variant in disease. Therefore, it has been classified as a Variant of Uncertain Significance.